The following is an entry in ClinVar:

NM_006946.4(SPTBN2):c.2679-149A>T

Gene: SPTBN2 (spectrin beta, non-erythrocytic 2; minus strand). Cytogenetic location: 11q13.2.
Variant type: single nucleotide variant.
Coding change: c.2679-149A>T on transcript NM_006946.4 (MANE Select); 149 bases into the intron before coding-DNA position 2679, A replaced by T.
Molecular consequence: intron variant.
Genome position (GRCh38, 1-based): chr11:66,701,870, T>A on the plus strand (A>T on the coding strand, the complement: SPTBN2 is on the minus strand). VCF-style: chr11-66701870-T-A. GRCh37 (hg19) VCF-style: chr11-66469341-T-A.
Identifiers: ClinVar variation 1810445 (VCV001810445.1), dbSNP rs145128199, ClinGen allele CA224084108.

ClinVar aggregate classification (germline): Likely benign (1 of 4 stars; one submission).

Allele frequency attached by ClinVar (database versions not stated): gnomAD exomes 0.00043; 1000 Genomes Project 30x 0.00375; 1000 Genomes Project 0.00379; gnomAD 0.00448; TOPMed 0.00563.
gnomAD v4.1: 1,114 of 1,114,844 alleles (0.1%); highest among the groups gnomAD compares: African/African-American, 1.6%; 10 homozygotes.

Submission:

GeneDx
Classification: Likely benign. Last evaluated: 2022-02-08. Review status: criteria provided, single submitter. Criteria: GeneDx Variant Classification Process June 2021. Collection method: clinical testing. Allele origin: germline. Affected: yes.
Comment: See Variant Classification Assertion Criteria.